The following is an entry in ClinVar:

ClinVar aggregate classification (germline): Likely pathogenic (1 of 4 stars; one submission).

Conditions:
C2CD3-related disorder. Also called: C2CD3-related condition.

Submission:

PreventionGenetics, part of Exact Sciences
Classification: Likely pathogenic for C2CD3-related condition. Last evaluated: 2023-06-09. Review status: criteria provided, single submitter. Criteria: ACMG Guidelines, 2015. Collection method: clinical testing. Allele origin: germline.
Comment: The C2CD3 c.3051_3052insA variant is predicted to result in a frameshift and premature protein termination (p.Pro1018Thrfs*32). To our knowledge, this variant has not been reported in the literature or in a large population database, indicating this variant is rare. Frameshift variants in C2CD3 are expected to be pathogenic. This variant is interpreted as likely pathogenic.

NM_001286577.2(C2CD3):c.3051_3052insA (p.Pro1018fs)

Gene: C2CD3 (C2 domain containing 3 centriole elongation regulator; minus strand). Cytogenetic location: 11q13.4.
Variant type: Insertion.
Coding change: c.3051_3052insA on transcript NM_001286577.2 (MANE Select); coding-DNA positions 3051 to 3052, A inserted.
Protein change: p.Pro1018fs; shifts the reading frame from proline 1018.
Molecular consequence: frameshift variant.
Genome position: GRCh38 VCF-style: chr11-74095336-G-GT. GRCh37 (hg19) VCF-style: chr11-73806381-G-GT.
Other names: c.3051_3052insA, p.Pro1018fs (NM_015531.6); short protein forms P1018fs.
Identifiers: ClinVar variation 2632438 (VCV002632438.1), dbSNP rs2496420529, ClinGen allele CA2695198934.
Genomic context (GRCh38, chr11:74,095,336, plus strand): 5'-GAACTGGAAAGTAGTACTGGACATAACAATCTGCTTCTCCCCAGACTGTTGCCTGAAGAG[G>GT]GGCTAGCCCTTTAACCATCTCTATATGGATCTCAAAGCAGTGCTCCATCAGTCCATTTCC-3'